The following is an entry in ClinVar:

ClinVar aggregate classification (germline): Likely benign. Review status: criteria provided, multiple submitters, no conflicts (2 of 4 stars). 2 submissions from 2 submitters: Likely benign (2). Last evaluated 2026-06-16.

Conditions:
UNC45A-related disorder. Also called: UNC45A-related condition.

Allele frequency attached by ClinVar (database versions not stated): TOPMed below 0.00001; gnomAD 0.00002 and 0.00005; gnomAD exomes 0.00004 and 0.00008; ExAC 0.00008; 1000 Genomes Project 30x 0.00031; 1000 Genomes Project 0.00040.
gnomAD v4.1: 75 of 1,614,036 alleles (0.0046%); highest among the groups gnomAD compares: South Asian, 0.059%; 1 homozygote.

Submissions (2):

PreventionGenetics, part of Exact Sciences
Classification: Likely benign for UNC45A-related condition. Last evaluated: 2026-06-16. Review status: criteria provided, single submitter. Criteria: ACMG Guidelines, 2015. Collection method: clinical testing. Allele origin: germline.
Comment: This variant is classified as likely benign based on ACMG/AMP sequence variant interpretation guidelines (Richards et al. 2015 PMID: 25741868, with internal and published modifications).

Labcorp Genetics (formerly Invitae), Labcorp
Classification: Likely benign. Last evaluated: 2026-01-19. Review status: criteria provided, single submitter. Criteria: Invitae Variant Classification Sherloc (09022015). Collection method: clinical testing. Allele origin: germline.

NM_018671.5(UNC45A):c.246C>A (p.Ser82=)

Gene: UNC45A (unc-45 myosin chaperone A; plus strand). Cytogenetic location: 15q26.1.
Variant type: single nucleotide variant.
Coding change: c.246C>A on transcript NM_018671.5 (MANE Select); coding-DNA position 246, C replaced by A.
Protein change: p.Ser82=; no amino-acid change (serine 82 retained).
Molecular consequence: synonymous variant. On other transcripts: 5 prime UTR variant (1).
Genome position (GRCh38, 1-based): chr15:90,935,978, C>A. VCF-style: chr15-90935978-C-A. GRCh37 (hg19) VCF-style: chr15-91479208-C-A.
Other names: c.201C>A, p.Ser67= (NM_001039675.2, NM_001323621.2); c.246C>A, p.Ser82= (NM_001323619.1); c.-338C>A (NM_001323620.2).
Identifiers: ClinVar variation 1595305 (VCV001595305.10), dbSNP rs540905465, ClinGen allele CA7742475.